The following is an entry in ClinVar:

NM_006017.3(PROM1):c.1557C>A (p.Tyr519Ter)

Gene: PROM1 (prominin 1; minus strand). Cytogenetic location: 4p15.32.
Variant type: single nucleotide variant.
Coding change: c.1557C>A on transcript NM_006017.3 (MANE Select); coding-DNA position 1557, C replaced by A.
Protein change: p.Tyr519Ter; replaces tyrosine 519 with a stop codon.
Molecular consequence: nonsense.
Genome position (GRCh38, 1-based): chr4:16,000,517, G>T on the plus strand (C>A on the coding strand, the complement: PROM1 is on the minus strand). VCF-style: chr4-16000517-G-T. GRCh37 (hg19) VCF-style: chr4-16002140-G-T.
Other names: NM_006017.3(PROM1):c.1557C>A; p.Tyr519Ter; c.1530C>A, p.Tyr510Ter (NM_001371406.1, NM_001371407.1, NM_001371408.1 and 4 more transcripts); c.1557C>A, p.Tyr519Ter (NM_001145849.2, NM_001145850.2); short protein forms Y519*, Y510*.
Identifiers: ClinVar variation 100577 (VCV000100577.60), dbSNP rs137853907, ClinGen allele CA201058.

ClinVar aggregate classification (germline): Pathogenic. Review status: criteria provided, multiple submitters, no conflicts (2 of 4 stars). 11 submissions from 11 submitters: Pathogenic (9). 2 of the submissions do not count toward it. Last evaluated 2026-06-10.

Conditions:
PROM1-related disorder. Also called: PROM1-related condition; PROM1-related disorders.
Retinal dystrophy. Also called: Inherited retinal dystrophy. Identifiers: Orphanet 71862, MedGen C0854723, MeSH D058499, MONDO:0019118, HP:0000556.
Cone-rod dystrophy 12 (CORD12). Identifiers: Orphanet 1872, MedGen C2675210, MONDO:0012983, OMIM 612657.

Allele frequency attached by ClinVar (database versions not stated): gnomAD 0.00007 and 0.00009; ESP Exome Variant Server 0.00017; gnomAD exomes 0.00003; ExAC 0.00005; TOPMed 0.00006.
gnomAD v4.1: 111 of 1,593,858 alleles (0.007%); highest among the groups gnomAD compares: Non-Finnish European, 0.0092%; no homozygotes.

Submissions (11):

PreventionGenetics, part of Exact Sciences
Classification: Pathogenic for PROM1-related condition. Last evaluated: 2026-06-10. Review status: criteria provided, single submitter. Criteria: ACMG Guidelines, 2015. Collection method: clinical testing. Allele origin: germline.
Comment: The PROM1 c.1557C>A variant is predicted to result in premature protein termination (p.Tyr519*). This variant has been reported in the compound heterozygous state in individuals with retinal disease (for example, Table S2, Carss et al. 2017. PubMed ID: 28041643; Table S1, Weisschuh et al. 2020. PubMed ID: 32531858; Table S1, Lin et al. 2024. PubMed ID: 38219857). This variant is present in 0.0070% of alleles in individuals of European (Non-Finnish) descent in gnomAD. Nonsense variants in PROM1 are an established mechanism of disease. Given the evidence, we interpret this variant as pathogenic for autosomal recessive disease.

Labcorp Genetics (formerly Invitae), Labcorp
Classification: Pathogenic. Last evaluated: 2025-08-18. Review status: criteria provided, single submitter. Criteria: Invitae Variant Classification Sherloc (09022015). Collection method: clinical testing. Allele origin: germline.
Comment: This sequence change creates a premature translational stop signal (p.Tyr519*) in the PROM1 gene. It is expected to result in an absent or disrupted protein product. Loss-of-function variants in PROM1 are known to be pathogenic (PMID: 17605048, 19718270, 24154662, 25474345). This variant is present in population databases (rs137853907, gnomAD 0.007%). This premature translational stop signal has been observed in individual(s) with retinal dystrophy (PMID: 22025579, 28041643). ClinVar contains an entry for this variant (Variation ID: 100577). For these reasons, this variant has been classified as Pathogenic.

GeneDx
Classification: Pathogenic. Last evaluated: 2025-02-11. Review status: criteria provided, single submitter. Criteria: GeneDx Variant Classification Process June 2021. Collection method: clinical testing. Allele origin: germline. Affected: yes.
Comment: Nonsense variant predicted to result in protein truncation or nonsense mediated decay in a gene for which loss of function is a known mechanism of disease; This variant is associated with the following publications: (PMID: 31589614, 22025579, 38219857, 28041643, 31136651, 32783370, 32879782, 38642551, 30926958, 32531858, 31964843, 32581362)

Blueprint Genetics
Classification: Pathogenic for PROM1-related disorders. Last evaluated: 2024-02-02. Review status: criteria provided, single submitter. Criteria: ACMG Guidelines, 2015. Collection method: clinical testing. Allele origin: germline. Affected: yes. Observed: 5 variant alleles.

Broad Center for Mendelian Genomics, Broad Institute of MIT and Harvard
Classification: Pathogenic for Cone-rod dystrophy 12. Last evaluated: 2023-05-02. Review status: criteria provided, single submitter. Criteria: ACMG Guidelines, 2015. Collection method: curation. Allele origin: germline. Inheritance: Autosomal recessive inheritance.
Comment: The p.Tyr519Ter variant in PROM1 has been previously reported in four unrelated individuals with PROM1-associated retinopathy (PMID: 32783370, PMID: 30926958, PMID: 28041643, PMID: 22025579) but has been identified in 0.015% (10/68036) of European (non-Finnish) chromosomes by the Genome Aggregation Database (gnomAD; dbSNP ID: rs137853907). Although this variant has been seen in the general population in a heterozygous state, its frequency is not high enough to rule out a pathogenic role. Of these previously reported four unrelated individuals (PMID: 32783370, PMID: 30926958, PMID: 28041643, PMID: 22025579), one was a homozygote (PMID: 32783370) and one was a compound heterozygote who carried a reported pathogenic variant in trans (PMID: 30926958, ClinVar Variation ID: 253326), which increases the likelihood that the p.Tyr519Ter variant in PROM1 is pathogenic. This variant has also been reported in ClinVar (Variation ID: 100577) and has been interpreted as pathogenic by multiple submitters. This nonsense variant leads to a premature termination codon at position 519, which is predicted to lead to a truncated or absent protein. Loss of function of the PROM1 gene is an established disease mechanism in autosomal recessive PROM1-associated retinal disease. In summary, this variant meets criteria to be classified as pathogenic for autosomal recessive neuronal PROM1-associated retinal disease. ACMG/AMP Criteria applied: PVS1, PM3_Strong (Richards 2015).

MGZ Medical Genetics Center
Classification: Pathogenic for Cone-rod dystrophy 12. Last evaluated: 2022-03-14. Review status: criteria provided, single submitter. Criteria: ACMG Guidelines, 2015. Collection method: clinical testing. Allele origin: germline. Affected: yes. Observed: 1 variant allele.
Comment: ACMG criteria applied: PVS1, PS4_MOD, PM2_SUP, PM3_SUP

CeGaT Center for Human Genetics Tuebingen
Classification: Pathogenic. Last evaluated: 2017-05-01. Review status: criteria provided, single submitter. Criteria: CeGaT Center For Human Genetics Tuebingen Variant Classification Criteria Version 2. Collection method: clinical testing. Allele origin: germline. Affected: yes. Observed: 1 variant allele.

Institute of Human Genetics, Univ. Regensburg, Univ. Regensburg
Classification: Pathogenic for Retinal dystrophy. Last evaluated: 2016-01-01. Review status: criteria provided, single submitter. Criteria: ACMG Guidelines, 2015. Collection method: clinical testing. Allele origin: germline. Affected: yes.

Eurofins Ntd Llc (ga)
Classification: Pathogenic. Last evaluated: 2014-08-04. Review status: criteria provided, single submitter. Criteria: EGL Classification Definitions 2015. Collection method: clinical testing. Allele origin: germline. Observed: 1 variant allele, 1 heterozygote.

NIHR Bioresource Rare Diseases, University of Cambridge
Classification: Pathogenic for Retinal dystrophy. Last evaluated: 2015-01-01. Review status: no assertion criteria provided. Collection method: research. Allele origin: unknown. Affected: yes. Observed: 1 variant allele. Not counted in ClinVar's aggregate classification.

NEI Ophthalmic Genomics Laboratory, National Institutes of Health
No classification provided. Review status: no classification provided. Collection method: not provided. Allele origin: not provided. Not counted in ClinVar's aggregate classification.

Literature cited by the submitters: PubMed 17605048 (cited by Labcorp Genetics (formerly Invitae), Labcorp); PubMed 19718270 (cited by Labcorp Genetics (formerly Invitae), Labcorp); PubMed 24154662 (cited by Labcorp Genetics (formerly Invitae), Labcorp); PubMed 25474345 (cited by Labcorp Genetics (formerly Invitae), Labcorp); PubMed 22025579 (cited by 4 submitters); PubMed 28041643 (cited by Labcorp Genetics (formerly Invitae), Labcorp and NIHR Bioresource Rare Diseases, University of Cambridge); PubMed 31589614 (cited by Institute of Human Genetics, Univ. Regensburg, Univ. Regensburg); PubMed 31964843 (cited by Institute of Human Genetics, Univ. Regensburg, Univ. Regensburg); PubMed 32581362 (cited by Institute of Human Genetics, Univ. Regensburg, Univ. Regensburg); PubMed 32531858 (cited by Institute of Human Genetics, Univ. Regensburg, Univ. Regensburg); PubMed 23105016 (cited by Eurofins Ntd Llc (ga)).